The following is an entry in ClinVar:

NM_000214.3(JAG1):c.2561A>G (p.Lys854Arg)

Gene: JAG1 (jagged canonical Notch ligand 1; minus strand). Cytogenetic location: 20p12.2.
Variant type: single nucleotide variant.
Coding change: c.2561A>G on transcript NM_000214.3 (MANE Select); coding-DNA position 2561, A replaced by G.
Protein change: p.Lys854Arg; replaces lysine 854 with arginine.
Molecular consequence: missense variant.
Genome position (GRCh38, 1-based): chr20:10,642,499, T>C on the plus strand (A>G on the coding strand, the complement: JAG1 is on the minus strand). VCF-style: chr20-10642499-T-C. GRCh37 (hg19) VCF-style: chr20-10623147-T-C.
Other names: short protein forms K854R.
Identifiers: ClinVar variation 4991865 (VCV004991865.1).

ClinVar aggregate classification (germline): Uncertain significance (1 of 4 stars; one submission).

Conditions:
JAG1-related disorder. Also called: JAG1-related condition; JAG1-related disorders.

gnomAD v4.1: 1 of 1,607,358 alleles (0.000062%); highest among the groups gnomAD compares: Non-Finnish European, 0.000085%; no homozygotes.

Submission:

PreventionGenetics, part of Exact Sciences
Classification: Uncertain significance for JAG1-related condition. Last evaluated: 2026-09-23. Review status: criteria provided, single submitter. Criteria: ACMG Guidelines, 2015. Collection method: clinical testing. Allele origin: germline.
Comment: The JAG1 c.2561A>G variant is predicted to result in the amino acid substitution p.Lys854Arg. To our knowledge, this variant has not been reported in the literature or in a large population database (gnomAD), indicating this variant is rare. At this time, the clinical significance of this variant is uncertain due to the absence of conclusive functional and genetic evidence.